The following is an entry in ClinVar:

NM_000516.7(GNAS):c.556A>G (p.Lys186Glu)

Gene: GNAS (GNAS complex locus; plus strand). Cytogenetic location: 20q13.32.
Variant type: single nucleotide variant.
Coding change: c.556A>G on transcript NM_000516.7 (MANE Select); coding-DNA position 556, A replaced by G.
Protein change: p.Lys186Glu; replaces lysine 186 with glutamic acid.
Molecular consequence: missense variant. On other transcripts: 3 prime UTR variant (2).
Genome position (GRCh38, 1-based): chr20:58,909,187, A>G. VCF-style: chr20-58909187-A-G. GRCh37 (hg19) VCF-style: chr20-57484242-A-G.
Other names: c.559A>G, p.Lys187Glu (NM_001077488.5); c.511A>G, p.Lys171Glu (NM_001077489.4); c.*417A>G (NM_001077490.3); c.379A>G, p.Lys127Glu (NM_001309840.2, NM_001309861.2, NM_001438276.1 and 1 more transcripts); c.460A>G, p.Lys154Glu (NM_001410912.1); c.2440A>G, p.Lys814Glu (NM_001410913.1); c.334A>G, p.Lys112Glu (NM_001438273.1, NM_001438274.1, NM_001438275.1); c.*462A>G (NM_016592.5); and 2 more; short protein forms K112E, K127E, K154E, K171E, K172E, K186E, K187E, K814E.
Identifiers: ClinVar variation 4855399 (VCV004855399.1).

ClinVar aggregate classification (germline): Uncertain significance (1 of 4 stars; one submission).

Conditions:
GNAS-related disorder. Identifiers: MedGen CN380105.

Submission:

3billion
Classification: Uncertain significance for GNAS-related disorder. Last evaluated: 2025-10-02. Review status: criteria provided, single submitter. Criteria: ACMG Guidelines, 2015. Collection method: clinical testing. Allele origin: germline. Affected: yes.
Comment: The variant is not observed in the gnomAD v4.1.0 dataset. Predicted Consequence/Location: Missense variant In silico tool predictions suggest damaging effect of the variant on gene or gene product [REVEL: 0.72 (>=0.6, sensitivity 0.68 and specificity 0.92); 3Cnet: 0.99 (> 0.75, sensitivity 0.96 and precision 0.92)]. Therefore, this variant is classified as VUS according to the recommendation of ACMG/AMP guideline.